The following is an entry in ClinVar:

ClinVar aggregate classification (germline): Benign/Likely benign. Review status: criteria provided, multiple submitters, no conflicts (2 of 4 stars). 8 submissions from 8 submitters: Benign (6); Likely benign (1). 1 of the submissions does not count toward it. Last evaluated 2026-02-04.

Conditions:
Familial thoracic aortic aneurysm and aortic dissection (TAAD). Also called: Thoracic aortic aneurysms and dissections. Identifiers: Orphanet 91387, MedGen C4707243, MONDO:0019625.
Aortic aneurysm, familial thoracic 4 (AAT4). Also called: AORTIC ANEURYSM/AORTIC DISSECTION AND PATENT DUCTUS ARTERIOSUS. Identifiers: MedGen C1851504, MONDO:0007568, OMIM 132900.

Submissions (8):

Labcorp Genetics (formerly Invitae), Labcorp
Classification: Benign for Aortic aneurysm, familial thoracic 4. Last evaluated: 2026-02-04. Review status: criteria provided, single submitter. Criteria: Invitae Variant Classification Sherloc (09022015). Collection method: clinical testing. Allele origin: germline.

Blueprint Genetics
Classification: Benign. Last evaluated: 2024-11-26. Review status: criteria provided, single submitter. Criteria: ACMG Guidelines, 2015. Collection method: clinical testing. Allele origin: germline.

Women's Health and Genetics/Laboratory Corporation of America, LabCorp
Classification: Benign. Last evaluated: 2018-09-12. Review status: criteria provided, single submitter. Criteria: LabCorp Variant Classification Summary - May 2015. Collection method: clinical testing. Allele origin: germline.
Comment: Variant summary: MYH11 c.503-14_503-12delCTT alters a nucleotide located close to a canonical splice site and therefore could affect mRNA splicing, leading to a significantly altered protein sequence. 5/5 computational tools predict no significant impact on normal splicing. However, these predictions have yet to be confirmed by functional studies. The variant allele was found at a frequency of 0.011 in 276760 control chromosomes, predominantly at a frequency of 0.1 within the African subpopulation in the gnomAD database, including 121 homozygotes. The observed variant frequency within African control individuals in the gnomAD database is approximately 79999.95 fold of the estimated maximal expected allele frequency for a pathogenic variant in MYH11 causing Aortopathy phenotype (1.3e-06), strongly suggesting that the variant is a benign polymorphism found primarily in populations of African origin. To our knowledge, no occurrence of c.503-14_503-12delCTT in individuals affected with Aortopathy and no experimental evidence demonstrating its impact on protein function have been reported. Three clinical diagnostic laboratories have submitted clinical-significance assessments for this variant to ClinVar after 2014 without evidence for independent evaluation. All laboratories classified the variant as benign/likely benign. Based on the evidence outlined above, the variant was classified as benign.

GeneDx
Classification: Benign. Last evaluated: 2018-06-05. Review status: criteria provided, single submitter. Criteria: GeneDx Variant Classification Process June 2021. Collection method: clinical testing. Allele origin: germline. Affected: yes.

Color Diagnostics, LLC DBA Color Health
Classification: Benign for Familial thoracic aortic aneurysm and aortic dissection. Last evaluated: 2018-03-19. Review status: criteria provided, single submitter. Criteria: ACMG Guidelines, 2015. Collection method: clinical testing. Allele origin: germline.

Genome Diagnostics Laboratory, University Medical Center Utrecht
Classification: Benign for Aortic aneurysm, familial thoracic 4. Last evaluated: 2014-10-09. Review status: criteria provided, single submitter. Criteria: ACGS Guidelines, 2013. Collection method: clinical testing. Allele origin: germline. Affected: yes. Study: VKGL Data-share Consensus.

PreventionGenetics, part of Exact Sciences
Classification: Likely benign. Review status: criteria provided, single submitter. Criteria: ACMG Guidelines, 2015. Collection method: clinical testing. Allele origin: germline.

Genome Diagnostics Laboratory, Amsterdam University Medical Center
Classification: Benign for Aortic aneurysm, familial thoracic 4. Last evaluated: 2015-03-12. Review status: no assertion criteria provided. Criteria: ACGS Guidelines, 2013. Collection method: clinical testing. Allele origin: germline. Affected: yes. Study: VKGL Data-share Consensus. Not counted in ClinVar's aggregate classification.

MYH11:c.503-14_503-12del

Gene: MYH11 (myosin heavy chain 11; minus strand). Cytogenetic location: 16p13.11.
Variant type: Microsatellite.
Molecular consequence: intron variant (on NM_002474.3).
Genome position: GRCh38 VCF-style: chr16-15798698-AAAG-A. GRCh37 (hg19) VCF-style: chr16-15892555-AAAG-A.
Other names: c.503-14_503-12del (NM_002474.3, NM_022844.3, NM_001040114.2 and 1 more transcripts).
Identifiers: ClinVar variation 36624 (VCV000036624.20), dbSNP rs141564071, ClinGen allele CA214173.